The following is an entry in ClinVar:

ClinVar aggregate classification (germline): Uncertain significance (1 of 4 stars; one submission).

Conditions:
LAMA2-related muscular dystrophy (LAMA2-RD). Also called: Laminin alpha 2-related dystrophy. Identifiers: MedGen C5679788, MONDO:0100228.

Allele frequency attached by ClinVar (database versions not stated): gnomAD exomes below 0.00001 and 0.00001; ExAC 0.00002.
gnomAD v4.1: 5 of 1,589,738 alleles (0.00031%); highest among the groups gnomAD compares: Non-Finnish European, 0.00043%; no homozygotes.

Submission:

Labcorp Genetics (formerly Invitae), Labcorp
Classification: Uncertain significance for LAMA2-related muscular dystrophy. Last evaluated: 2021-08-31. Review status: criteria provided, single submitter. Criteria: Invitae Variant Classification Sherloc (09022015). Collection method: clinical testing. Allele origin: germline.
Comment: This sequence change replaces glycine with arginine at codon 2021 of the LAMA2 protein (p.Gly2021Arg). The glycine residue is weakly conserved and there is a moderate physicochemical difference between glycine and arginine. This variant is present in population databases (rs759442502, ExAC 0.003%). This variant has not been reported in the literature in individuals affected with LAMA2-related conditions. Algorithms developed to predict the effect of missense changes on protein structure and function (SIFT, PolyPhen-2, Align-GVGD) all suggest that this variant is likely to be tolerated. In summary, the available evidence is currently insufficient to determine the role of this variant in disease. Therefore, it has been classified as a Variant of Uncertain Significance.

NM_000426.4(LAMA2):c.6061G>C (p.Gly2021Arg)

Gene: LAMA2 (laminin subunit alpha 2; plus strand). Cytogenetic location: 6q22.33.
Variant type: single nucleotide variant.
Coding change: c.6061G>C on transcript NM_000426.4 (MANE Select); coding-DNA position 6061, G replaced by C.
Protein change: p.Gly2021Arg; replaces glycine 2021 with arginine.
Molecular consequence: missense variant.
Genome position (GRCh38, 1-based): chr6:129,438,738, G>C. VCF-style: chr6-129438738-G-C. GRCh37 (hg19) VCF-style: chr6-129759883-G-C.
Other names: c.6061G>C, p.Gly2021Arg (NM_001079823.2); short protein forms G2021R.
Identifiers: ClinVar variation 941340 (VCV000941340.7), dbSNP rs759442502, ClinGen allele CA3994086.